The following is an entry in ClinVar:

ClinVar aggregate classification (germline): Uncertain significance (1 of 4 stars; one submission).

Conditions:
Alagille syndrome due to a JAG1 point mutation. Also called: Alagille Syndrome 1; HEPATIC DUCTULAR HYPOPLASIA, SYNDROMATIC; JAG1-Related Alagille Syndrome. Identifiers: Orphanet 261619, Orphanet 52, MedGen C1956125, MONDO:0016862, OMIM 118450.

Submission:

Labcorp Genetics (formerly Invitae), Labcorp
Classification: Uncertain significance for Alagille syndrome due to a JAG1 point mutation. Last evaluated: 2022-03-28. Review status: criteria provided, single submitter. Criteria: Invitae Variant Classification Sherloc (09022015). Collection method: clinical testing. Allele origin: germline.
Comment: This sequence change replaces asparagine, which is neutral and polar, with threonine, which is neutral and polar, at codon 991 of the JAG1 protein (p.Asn991Thr). In summary, the available evidence is currently insufficient to determine the role of this variant in disease. Therefore, it has been classified as a Variant of Uncertain Significance. Advanced modeling of protein sequence and biophysical properties (such as structural, functional, and spatial information, amino acid conservation, physicochemical variation, residue mobility, and thermodynamic stability) performed at Invitae indicates that this missense variant is not expected to disrupt JAG1 protein function. This variant has not been reported in the literature in individuals affected with JAG1-related conditions. This variant is not present in population databases (gnomAD no frequency).

NM_000214.3(JAG1):c.2972A>C (p.Asn991Thr)

Gene: JAG1 (jagged canonical Notch ligand 1; minus strand). Cytogenetic location: 20p12.2.
Variant type: single nucleotide variant.
Coding change: c.2972A>C on transcript NM_000214.3 (MANE Select); coding-DNA position 2972, A replaced by C.
Protein change: p.Asn991Thr; replaces asparagine 991 with threonine.
Molecular consequence: missense variant.
Genome position (GRCh38, 1-based): chr20:10,641,189, T>G on the plus strand (A>C on the coding strand, the complement: JAG1 is on the minus strand). VCF-style: chr20-10641189-T-G. GRCh37 (hg19) VCF-style: chr20-10621837-T-G.
Other names: short protein forms N991T.
Identifiers: ClinVar variation 2119031 (VCV002119031.4), dbSNP rs2514508419, ClinGen allele CA408244548.